The following is an entry in ClinVar:

ClinVar aggregate classification (germline): Conflicting classifications of pathogenicity. Review status: criteria provided, conflicting classifications (1 of 4 stars). 3 submissions from 3 submitters: Uncertain significance (1); Likely benign (1). 1 of the submissions does not count toward it. Last evaluated 2026-07-08.

Conditions:
Inborn genetic diseases. Identifiers: MedGen C0950123, MeSH D030342.
PIEZO1-related disorder. Also called: PIEZO1-related condition; PIEZO1-Related Disorders.

gnomAD v4.1: 25 of 1,550,112 alleles (0.0016%); highest among the groups gnomAD compares: Middle Eastern, 0.033%; no homozygotes.

Submissions (3):

Ambry Genetics
Classification: Uncertain significance for Inborn genetic diseases. Last evaluated: 2026-07-08. Review status: criteria provided, single submitter. Criteria: Ambry Variant Classification Scheme 2023. Collection method: clinical testing. Allele origin: germline.

Labcorp Genetics (formerly Invitae), Labcorp
Classification: Likely benign. Last evaluated: 2024-03-27. Review status: criteria provided, single submitter. Criteria: Invitae Variant Classification Sherloc (09022015). Collection method: clinical testing. Allele origin: germline.

PreventionGenetics, part of Exact Sciences
Classification: Uncertain significance for PIEZO1-related condition. Last evaluated: 2024-04-16. Review status: no assertion criteria provided. Collection method: clinical testing. Allele origin: germline. Not counted in ClinVar's aggregate classification.
Comment: The PIEZO1 c.5314C>T variant is predicted to result in the amino acid substitution p.Arg1772Cys. To our knowledge, this variant has not been reported in the literature. This variant is reported in 0.0027% of alleles in individuals of European (Non-Finnish) descent in gnomAD. At this time, the clinical significance of this variant is uncertain due to the absence of conclusive functional and genetic evidence.

NM_001142864.4(PIEZO1):c.5314C>T (p.Arg1772Cys)

Gene: PIEZO1 (piezo type mechanosensitive ion channel component 1 (Er blood group); minus strand). Cytogenetic location: 16q24.3.
Variant type: single nucleotide variant.
Coding change: c.5314C>T on transcript NM_001142864.4 (MANE Select); coding-DNA position 5314, C replaced by T.
Protein change: p.Arg1772Cys; replaces arginine 1772 with cysteine.
Molecular consequence: missense variant.
Genome position (GRCh38, 1-based): chr16:88,721,627, G>A on the plus strand (C>T on the coding strand, the complement: PIEZO1 is on the minus strand). VCF-style: chr16-88721627-G-A. GRCh37 (hg19) VCF-style: chr16-88788035-G-A.
Other names: c.5314C>T (NM_001142864.2); short protein forms R1772C.
Identifiers: ClinVar variation 3358650 (VCV003358650.4).